The following is an entry in ClinVar:

ClinVar aggregate classification (germline): Likely benign. Review status: criteria provided, single submitter (1 of 4 stars). 2 submissions from 2 submitters: Likely benign (1). 1 of the submissions does not count toward it. Last evaluated 2025-05-12.

Conditions:
FANCA-related disorder. Also called: FANCA-related condition.
Fanconi anemia (FA). Also called: Fanconi's anemia. Identifiers: Orphanet 84, MedGen C0015625, MeSH D005199, MONDO:0019391.

Allele frequency attached by ClinVar (database versions not stated): TOPMed below 0.00001.
gnomAD v4.1: 2 of 1,551,190 alleles (0.00013%); highest among the groups gnomAD compares: Admixed American, 0.0039%; no homozygotes.

Submissions (2):

Labcorp Genetics (formerly Invitae), Labcorp
Classification: Likely benign for Fanconi anemia. Last evaluated: 2025-05-12. Review status: criteria provided, single submitter. Criteria: Invitae Variant Classification Sherloc (09022015). Collection method: clinical testing. Allele origin: germline.

PreventionGenetics, part of Exact Sciences
Classification: Likely benign for FANCA-related condition. Last evaluated: 2023-01-27. Review status: no assertion criteria provided. Collection method: clinical testing. Allele origin: germline. Not counted in ClinVar's aggregate classification.
Comment: This variant is classified as likely benign based on ACMG/AMP sequence variant interpretation guidelines (Richards et al. 2015 PMID: 25741868, with internal and published modifications).

NM_000135.4(FANCA):c.4010+9A>G

Genes: FANCA (FA complementation group A; minus strand), ZNF276 (zinc finger protein 276; plus strand). Cytogenetic location: 16q24.3.
Variant type: single nucleotide variant.
Coding change: c.4010+9A>G on transcript NM_000135.4 (MANE Select); 9 bases into the intron after coding-DNA position 4010, A replaced by G.
Molecular consequence: intron variant. On other transcripts: 3 prime UTR variant (2), non-coding transcript variant (4).
Genome position (GRCh38, 1-based): chr16:89,739,469, T>C on the plus strand (A>G on the coding strand, the complement: FANCA is on the minus strand). VCF-style: chr16-89739469-T-C. GRCh37 (hg19) VCF-style: chr16-89805877-T-C.
Other names: c.*1223T>C (NM_001113525.2, NM_152287.4); c.4010+9A>G (NM_001286167.3).
Identifiers: ClinVar variation 704353 (VCV000704353.11), dbSNP rs1383806921, ClinGen allele CA624454451.
Genomic context (GRCh38, chr16:89,739,469, plus strand): 5'-CCCAGAGGTGCTGAGATGGGGGTCTGGGAAACACTGCCCAGCCCTGACCAGCCCTGTGGG[T>C]GGAGGTACCTGTAAAAAGCGAAAGGCAGCAGCCTGGTGTGCTGATCCGGGGCCACACGGA-3'